The following is an entry in ClinVar:

NM_001252024.2(TRPM1):c.2548A>T (p.Ile850Phe)

Gene: TRPM1 (transient receptor potential cation channel subfamily M member 1; minus strand). Cytogenetic location: 15q13.3.
Variant type: single nucleotide variant.
Coding change: c.2548A>T on transcript NM_001252024.2 (MANE Select); coding-DNA position 2548, A replaced by T.
Protein change: p.Ile850Phe; replaces isoleucine 850 with phenylalanine.
Molecular consequence: missense variant.
Genome position (GRCh38, 1-based): chr15:31,037,734, T>A on the plus strand (A>T on the coding strand, the complement: TRPM1 is on the minus strand). VCF-style: chr15-31037734-T-A. GRCh37 (hg19) VCF-style: chr15-31329937-T-A.
Other names: c.2599A>T, p.Ile867Phe (NM_001252020.2); c.2482A>T, p.Ile828Phe (NM_002420.6); short protein forms I828F, I850F, I867F.
Identifiers: ClinVar variation 940111 (VCV000940111.7), dbSNP rs771284454, ClinGen allele CA391546969.

ClinVar aggregate classification (germline): Uncertain significance (1 of 4 stars; one submission).

Allele frequency attached by ClinVar (database versions not stated): TOPMed below 0.00001.
gnomAD v4.1: 9 of 1,614,212 alleles (0.00056%); highest among the groups gnomAD compares: Non-Finnish European, 0.00068%; no homozygotes.

Submission:

Labcorp Genetics (formerly Invitae), Labcorp
Classification: Uncertain significance. Last evaluated: 2019-09-18. Review status: criteria provided, single submitter. Criteria: Invitae Variant Classification Sherloc (09022015). Collection method: clinical testing. Allele origin: germline.
Comment: In summary, the available evidence is currently insufficient to determine the role of this variant in disease. Therefore, it has been classified as a Variant of Uncertain Significance. Algorithms developed to predict the effect of missense changes on protein structure and function are either unavailable or do not agree on the potential impact of this missense change (SIFT: "Tolerated"; PolyPhen-2: "Probably Damaging"; Align-GVGD: "Class C0"). This variant has not been reported in the literature in individuals with TRPM1-related conditions. This variant is not present in population databases (ExAC no frequency). This sequence change replaces isoleucine with phenylalanine at codon 828 of the TRPM1 protein (p.Ile828Phe). The isoleucine residue is highly conserved and there is a small physicochemical difference between isoleucine and phenylalanine.